The following is an entry in ClinVar:

ClinVar aggregate classification (germline): Uncertain significance (1 of 4 stars; one submission).

Allele frequency attached by ClinVar (database versions not stated): gnomAD exomes below 0.00001.

Submission:

Labcorp Genetics (formerly Invitae), Labcorp
Classification: Uncertain significance. Last evaluated: 2022-02-18. Review status: criteria provided, single submitter. Criteria: Invitae Variant Classification Sherloc (09022015). Collection method: clinical testing. Allele origin: germline.
Comment: This variant is not present in population databases (gnomAD no frequency). This sequence change replaces glutamine, which is neutral and polar, with leucine, which is neutral and non-polar, at codon 122 of the RGR protein (p.Gln122Leu). This variant has not been reported in the literature in individuals affected with RGR-related conditions. Algorithms developed to predict the effect of missense changes on protein structure and function are either unavailable or do not agree on the potential impact of this missense change (SIFT: "Deleterious"; PolyPhen-2: "Not Available"; Align-GVGD: "Class C25"). In summary, the available evidence is currently insufficient to determine the role of this variant in disease. Therefore, it has been classified as a Variant of Uncertain Significance.

NM_001012720.2(RGR):c.365A>T (p.Gln122Leu)

Gene: RGR (retinal G protein coupled receptor; plus strand). Cytogenetic location: 10q23.1.
Variant type: single nucleotide variant.
Coding change: c.365A>T on transcript NM_001012720.2 (MANE Select); coding-DNA position 365, A replaced by T.
Protein change: p.Gln122Leu; replaces glutamine 122 with leucine.
Molecular consequence: missense variant.
Genome position (GRCh38, 1-based): chr10:84,252,863, A>T. VCF-style: chr10-84252863-A-T. GRCh37 (hg19) VCF-style: chr10-86012619-A-T.
Other names: c.365A>T, p.Gln122Leu (NM_001012722.2); c.377A>T, p.Gln126Leu (NM_002921.4); short protein forms Q122L, Q126L.
Identifiers: ClinVar variation 1954841 (VCV001954841.5), dbSNP rs950134021, ClinGen allele CA210401995.